The following is an entry in ClinVar:

ClinVar aggregate classification (germline): Uncertain significance (1 of 4 stars; one submission).

Allele frequency attached by ClinVar (database versions not stated): gnomAD exomes below 0.00001; ExAC 0.00002; gnomAD 0.00005; TOPMed 0.00005; 1000 Genomes Project 30x 0.00016; 1000 Genomes Project 0.00020.
gnomAD v4.1: 10 of 1,603,032 alleles (0.00062%); highest among the groups gnomAD compares: African/African-American, 0.013%; no homozygotes.

Submission:

Women's Health and Genetics/Laboratory Corporation of America, LabCorp
Classification: Uncertain significance. Last evaluated: 2022-08-03. Review status: criteria provided, single submitter. Criteria: LabCorp Variant Classification Summary - May 2015. Collection method: clinical testing. Allele origin: germline.
Comment: Variant summary: GUF1 c.922C>T (p.Gln308X) results in a premature termination codon, predicted to cause a truncation of the encoded protein or absence of the protein due to nonsense mediated decay. Other predicted loss-of-function (pLoF) variants (e.g. c.734+1G>A, p.Glu468IlefsTer15) have been reported in homozygous state in healthy controls (gnomAD), suggesting that pLoF variants in GUF1 might not necessarily have pathogenic consequences (see also PMID 32487729); however the current evidence is not sufficient to clearly establish whether loss-of-function variants in GUF1 cause disease. The variant allele was found at a frequency of 8e-06 in 250416 control chromosomes (gnomAD). To our knowledge, no occurrence of c.922C>T in affected individuals and no experimental evidence demonstrating its impact on protein function have been reported. No clinical diagnostic laboratories have submitted clinical-significance assessments for this variant to ClinVar after 2014. Based on the evidence outlined above, the variant was classified as uncertain significance.

Literature cited by the submitters: PubMed 32487729.

NM_021927.3(GUF1):c.922C>T (p.Gln308Ter)

Gene: GUF1 (GTP binding elongation factor GUF1; plus strand). Cytogenetic location: 4p12.
Variant type: single nucleotide variant.
Coding change: c.922C>T on transcript NM_021927.3 (MANE Select); coding-DNA position 922, C replaced by T.
Protein change: p.Gln308Ter; replaces glutamine 308 with a stop codon.
Molecular consequence: nonsense. On other transcripts: 5 prime UTR variant (2).
Genome position (GRCh38, 1-based): chr4:44,686,697, C>T. VCF-style: chr4-44686697-C-T. GRCh37 (hg19) VCF-style: chr4-44688714-C-T.
Other names: c.-51C>T (NM_001345867.2, NM_001345869.2); c.922C>T, p.Gln308Ter (NM_001345868.2); short protein forms Q308*.
Identifiers: ClinVar variation 1705237 (VCV001705237.1), dbSNP rs564885253, ClinGen allele CA2905467.